The following is an entry in ClinVar:

ClinVar aggregate classification (germline): Likely pathogenic (1 of 4 stars; one submission).

Submission:

GeneDx
Classification: Likely pathogenic. Last evaluated: 2024-12-27. Review status: criteria provided, single submitter. Criteria: GeneDx Variant Classification Process June 2021. Collection method: clinical testing. Allele origin: germline. Affected: yes.
Comment: Not observed at significant frequency in large population cohorts (gnomAD); Variant in a snoRNA that alters Watson-Crick base pairs and U:G wobble base pairs in mostly the 3' extension (PMID: 32359472); Has not been previously published as pathogenic or benign to our knowledge; This variant is associated with the following publications: (PMID: 32359472)

NC_000017.11:g.8173444_8173453del

Genes: SNORD118 (small nucleolar RNA, C/D box 118; minus strand), TMEM107 (transmembrane protein 107; minus strand). Cytogenetic location: 17p13.1.
Variant type: Deletion.
Molecular consequence: 3 prime UTR variant (on NM_183065.4). On other transcripts: non-coding transcript variant (1).
Genome position: GRCh38 VCF-style: chr17-8173443-CGTCAGAAAGA-C. GRCh37 (hg19) VCF-style: chr17-8076761-CGTCAGAAAGA-C.
Other names: c.*750_*759del (NM_001351278.2, NM_001351279.2, NM_001351280.2 and 2 more transcripts).
Identifiers: ClinVar variation 3907787 (VCV003907787.1).